The following is an entry in ClinVar:

NM_001379270.1(CNGA1):c.36del (p.Phe12fs)

Genes: CNGA1 (cyclic nucleotide gated channel subunit alpha 1; minus strand), LOC101927157 (uncharacterized LOC101927157; plus strand). Cytogenetic location: 4p12.
Variant type: Deletion.
Coding change: c.36del on transcript NM_001379270.1 (MANE Select); coding-DNA position 36, one base deleted (T; older notation c.36delT).
Protein change: p.Phe12fs; shifts the reading frame from phenylalanine 12.
Molecular consequence: frameshift variant.
Genome position (GRCh38, 1-based): chr4:47,952,654, A deleted on the plus strand (T on the coding strand, the reverse complement: CNGA1 is on the minus strand); the first of 4 consecutive A bases (chr4:47,952,654-47,952,657); deleting any one gives the same sequence. VCF-style (leftmost placement, unchanged base first): chr4-47952653-CA-C. GRCh37 (hg19) VCF-style: chr4-47954670-CA-C.
Other names: c.36del, p.Phe12fs (NM_000087.5, NM_001142564.2); c.45delT, p.Phe16Leufs (NM_001375386.1); short protein forms F12fs.
Identifiers: ClinVar variation 2131365 (VCV002131365.4), dbSNP rs764594811, ClinGen allele CA2911399.
Genomic context (GRCh38, chr4:47,952,653, plus strand): 5'-CATTTTCCATCCTTCGTATTTCCTTTTCAATATCTGGTACAATCACATTGGGCATGGTTA[CA>C]AAAGACTGCTGTGTATTGATAATATTGTTCTTCATGGATAGTTTCATATCTGAGGAGAAA-3'

ClinVar aggregate classification (germline): Pathogenic (1 of 4 stars; one submission).

Submission:

Labcorp Genetics (formerly Invitae), Labcorp
Classification: Pathogenic. Last evaluated: 2022-04-28. Review status: criteria provided, single submitter. Criteria: Invitae Variant Classification Sherloc (09022015). Collection method: clinical testing. Allele origin: germline.
Comment: For these reasons, this variant has been classified as Pathogenic. This variant has not been reported in the literature in individuals affected with CNGA1-related conditions. This variant is present in population databases (rs764594811, gnomAD 0.003%). This sequence change creates a premature translational stop signal (p.Phe16Leufs*2) in the CNGA1 gene. It is expected to result in an absent or disrupted protein product. Loss-of-function variants in CNGA1 are known to be pathogenic (PMID: 7479749, 25268133).

Literature cited by the submitters: PubMed 7479749; PubMed 25268133.